The following is an entry in ClinVar:

ClinVar aggregate classification (germline): Uncertain significance (1 of 4 stars; one submission).

Submission:

Ambry Genetics
Classification: Uncertain significance. Last evaluated: 2026-02-18. Review status: criteria provided, single submitter. Criteria: Ambry Variant Classification Scheme 2023. Collection method: clinical testing. Allele origin: germline.
Comment: The p.S186C variant (also known as c.557C>G), located in coding exon 4 of the GEN1 gene, results from a C to G substitution at nucleotide position 557. The serine at codon 186 is replaced by cysteine, an amino acid with dissimilar properties. This amino acid position is conserved. In addition, this alteration is predicted to be tolerated by in silico analysis. Based on the available evidence, the clinical significance of this variant remains unclear.

NM_001130009.3(GEN1):c.557C>G (p.Ser186Cys)

Gene: GEN1 (GEN1 structure-specific endonuclease; plus strand). Cytogenetic location: 2p24.2.
Variant type: single nucleotide variant.
Coding change: c.557C>G on transcript NM_001130009.3 (MANE Select); coding-DNA position 557, C replaced by G.
Protein change: p.Ser186Cys; replaces serine 186 with cysteine.
Molecular consequence: missense variant.
Genome position (GRCh38, 1-based): chr2:17,766,610, C>G. VCF-style: chr2-17766610-C-G. GRCh37 (hg19) VCF-style: chr2-17947877-C-G.
Other names: c.557C>G, p.Ser186Cys (NM_182625.5); short protein forms S186C.
Identifiers: ClinVar variation 4844984 (VCV004844984.1).